The following is an entry in ClinVar:

ClinVar aggregate classification (germline): Uncertain significance (1 of 4 stars; one submission).

Conditions:
Cardiovascular phenotype. Identifiers: MedGen CN230736.

gnomAD v4.1: 1 of 1,613,460 alleles (0.000062%); highest among the groups gnomAD compares: Non-Finnish European, 0.000085%; no homozygotes.

Submission:

Ambry Genetics
Classification: Uncertain significance for Cardiovascular phenotype. Last evaluated: 2025-06-07. Review status: criteria provided, single submitter. Criteria: Ambry Variant Classification Scheme 2023. Collection method: clinical testing. Allele origin: germline.
Comment: The p.E3111K variant (also known as c.9331G>A), located in coding exon 38 of the AKAP9 gene, results from a G to A substitution at nucleotide position 9331. The glutamic acid at codon 3111 is replaced by lysine, an amino acid with similar properties. This amino acid position is conserved. In addition, this alteration is predicted to be tolerated by in silico analysis. Based on the available evidence, the clinical significance of this variant remains unclear.

NM_005751.5(AKAP9):c.9331G>A (p.Glu3111Lys)

Gene: AKAP9 (A-kinase anchoring protein 9; plus strand). Cytogenetic location: 7q21.2.
Variant type: single nucleotide variant.
Coding change: c.9331G>A on transcript NM_005751.5 (MANE Select); coding-DNA position 9331, G replaced by A.
Protein change: p.Glu3111Lys; replaces glutamic acid 3111 with lysine.
Molecular consequence: missense variant.
Genome position (GRCh38, 1-based): chr7:92,089,502, G>A. VCF-style: chr7-92089502-G-A. GRCh37 (hg19) VCF-style: chr7-91718816-G-A.
Other names: c.3976G>A, p.Glu1326Lys (NM_001379277.1); c.9307G>A, p.Glu3103Lys (NM_147185.3); short protein forms E1326K, E3103K, E3111K.
Identifiers: ClinVar variation 4034255 (VCV004034255.1).